The following is an entry in ClinVar:

ClinVar aggregate classification (germline): Uncertain significance. Review status: criteria provided, multiple submitters, no conflicts (2 of 4 stars). 2 submissions from 2 submitters: Uncertain significance (2). Last evaluated 2024-01-24.

Conditions:
Intellectual disability, autosomal recessive 53 (NEDHSCA). Also called: NEURODEVELOPMENTAL DISORDER WITH OR WITHOUT HYPOTONIA, SEIZURES, AND CEREBELLAR ATROPHY; GLYCOSYLPHOSPHATIDYLINOSITOL BIOSYNTHESIS DEFECT 13; Mental retardation, autosomal recessive 53. Identifiers: Orphanet 488635, MedGen C4310794, MONDO:0014832, OMIM 616917.

Allele frequency attached by ClinVar (database versions not stated): gnomAD exomes below 0.00001; TOPMed below 0.00001; gnomAD 0.00001.
gnomAD v4.1: 2 of 1,613,692 alleles (0.00012%); highest among the groups gnomAD compares: African/African-American, 0.0027%; no homozygotes.

Submissions (2):

GeneDx
Classification: Uncertain significance. Last evaluated: 2024-01-24. Review status: criteria provided, single submitter. Criteria: GeneDx Variant Classification Process June 2021. Collection method: clinical testing. Allele origin: germline. Affected: yes.
Comment: Not observed at significant frequency in large population cohorts (gnomAD); In silico analysis supports that this missense variant has a deleterious effect on protein structure/function; Has not been previously published as pathogenic or benign to our knowledge

Labcorp Genetics (formerly Invitae), Labcorp
Classification: Uncertain significance for Intellectual disability, autosomal recessive 53. Last evaluated: 2022-08-16. Review status: criteria provided, single submitter. Criteria: Invitae Variant Classification Sherloc (09022015). Collection method: clinical testing. Allele origin: germline.
Comment: This sequence change replaces aspartic acid, which is acidic and polar, with histidine, which is basic and polar, at codon 74 of the PIGG protein (p.Asp74His). This variant is present in population databases (no rsID available, gnomAD 0.01%). This variant has not been reported in the literature in individuals affected with PIGG-related conditions. ClinVar contains an entry for this variant (Variation ID: 1405466). Algorithms developed to predict the effect of missense changes on protein structure and function (SIFT, PolyPhen-2, Align-GVGD) all suggest that this variant is likely to be disruptive. Algorithms developed to predict the effect of sequence changes on RNA splicing suggest that this variant may disrupt the consensus splice site. In summary, the available evidence is currently insufficient to determine the role of this variant in disease. Therefore, it has been classified as a Variant of Uncertain Significance.

NM_001127178.3(PIGG):c.220G>C (p.Asp74His)

Gene: PIGG (phosphatidylinositol glycan anchor biosynthesis class G (EMM blood group); plus strand). Cytogenetic location: 4p16.3.
Variant type: single nucleotide variant.
Coding change: c.220G>C on transcript NM_001127178.3 (MANE Select); coding-DNA position 220, G replaced by C.
Protein change: p.Asp74His; replaces aspartic acid 74 with histidine.
Molecular consequence: missense variant. On other transcripts: 5 prime UTR variant (10), non-coding transcript variant (10).
Genome position (GRCh38, 1-based): chr4:500,461, G>C. VCF-style: chr4-500461-G-C. GRCh37 (hg19) VCF-style: chr4-494250-G-C.
Other names: c.-48G>C (NM_001289051.2, NM_001289053.2, NM_001289057.2 and 2 more transcripts); c.220G>C, p.Asp74His (NM_001289052.2, NM_001345989.2, NM_017733.5); c.-217G>C (NM_001289055.2); c.-668G>C (NM_001345988.2); c.-1406G>C (NM_001345990.2); c.-1268G>C (NM_001345991.2); c.-993G>C (NM_001345994.2); c.220G>C (NM_001127178.2); short protein forms D74H.
Identifiers: ClinVar variation 1405466 (VCV001405466.6), dbSNP rs1446489399, ClinGen allele CA355890954.